The following is an entry in ClinVar:

NM_001145809.2(MYH14):c.4172C>A (p.Ala1391Asp)

Gene: MYH14 (myosin heavy chain 14; plus strand). Cytogenetic location: 19q13.33.
Variant type: single nucleotide variant.
Coding change: c.4172C>A on transcript NM_001145809.2 (MANE Select); coding-DNA position 4172, C replaced by A.
Protein change: p.Ala1391Asp; replaces alanine 1391 with aspartic acid.
Molecular consequence: missense variant.
Genome position (GRCh38, 1-based): chr19:50,280,265, C>A. VCF-style: chr19-50280265-C-A. GRCh37 (hg19) VCF-style: chr19-50783522-C-A.
Other names: c.4073C>A, p.Ala1358Asp (NM_001077186.2); c.4049C>A, p.Ala1350Asp (NM_024729.4); short protein forms A1350D, A1358D, A1391D.
Identifiers: ClinVar variation 1162848 (VCV001162848.6), dbSNP rs961571645, ClinGen allele CA309574790.
Genomic context (GRCh38, chr19:50,280,265, plus strand): 5'-GACATTGCCGTCTCCTCCATCTACAGGAGCTGCTGCAGGAGGAGACCAGGGCGAAATTGG[C>A]CTTGGGGTCCCGGGTGCGAGCCATGGAGGCTGAGGCAGCCGGGCTGCGTGAGCAGCTGGA-3'
Protein context (NP_001139281.1, residues 1381-1401): LLQEETRAKL[Ala1391Asp]LGSRVRAMEA

ClinVar aggregate classification (germline): Uncertain significance. Review status: criteria provided, multiple submitters, no conflicts (2 of 4 stars). 2 submissions from 2 submitters: Uncertain significance (2). Last evaluated 2023-05-15.

Allele frequency attached by ClinVar (database versions not stated): gnomAD 0.00002; TOPMed 0.00002.
gnomAD v4.1: 3 of 1,551,550 alleles (0.00019%); highest among the groups gnomAD compares: African/African-American, 0.0041%; no homozygotes.

Submissions (2):

GeneDx
Classification: Uncertain significance. Last evaluated: 2023-05-15. Review status: criteria provided, single submitter. Criteria: GeneDx Variant Classification Process June 2021. Collection method: clinical testing. Allele origin: germline. Affected: yes.
Comment: Not observed at significant frequency in large population cohorts (gnomAD); In silico analysis supports that this missense variant does not alter protein structure/function; Has not been previously published as pathogenic or benign to our knowledge

Mayo Clinic Laboratories, Mayo Clinic
Classification: Uncertain significance. Last evaluated: 2019-10-14. Review status: criteria provided, single submitter. Criteria: ACMG Guidelines, 2015. Collection method: clinical testing. Allele origin: germline. Observed: 1 variant allele.